The following is an entry in ClinVar:

ClinVar aggregate classification (germline): Uncertain significance (1 of 4 stars; one submission).

Submission:

GeneDx
Classification: Uncertain significance. Last evaluated: 2017-09-01. Review status: criteria provided, single submitter. Criteria: GeneDx Variant Classification (06012015). Collection method: clinical testing. Allele origin: germline. Affected: yes.
Comment: The c.12492delA variant of uncertain significance in the TTN gene has not been published as pathogenic or been reported as benign to our knowledge. This variant is not observed in large population cohorts (Lek et al., 2016; 1000 Genomes Consortium et al., 2015; Exome Variant Server). The c.12492delA variant causes a shift in reading frame starting at codon tyrosine 4165, changing it to a methionine, and creating a premature stop codon at position 4 of the new reading frame, denoted p.Tyr4165MetfsX4. This variant is expected to result in either an abnormal, truncated protein product or loss of protein from this allele through nonsense-mediated mRNA decay. However, other truncating TTN variants have been reported in approximately 3% of control alleles and the c.12492delA variant is not located in the A-band region of titin, where the majority of truncating pathogenic variants associated with DCM have been reported (Herman et al., 2012).

NM_001267550.2(TTN):c.13443del (p.Tyr4482fs)

Gene: TTN (titin; minus strand). Cytogenetic location: 2q31.2.
Variant type: Deletion.
Coding change: c.13443del on transcript NM_001267550.2 (MANE Select); coding-DNA position 13443, one base deleted (A; older notation c.13443delA).
Protein change: p.Tyr4482fs; shifts the reading frame from tyrosine 4482.
Molecular consequence: frameshift variant. On other transcripts: intron variant (1).
Genome position (GRCh38, 1-based): chr2:178,739,790, T deleted on the plus strand (A on the coding strand, the reverse complement: TTN is on the minus strand). VCF-style (leftmost placement, unchanged base first): chr2-178739789-AT-A. GRCh37 (hg19) VCF-style: chr2-179604516-AT-A.
Other names: c.12492del, p.Tyr4165fs (NM_001256850.1); c.12354del, p.Tyr4119fs (NM_003319.4); c.12729del, p.Tyr4244fs (NM_133432.3); c.12930del, p.Tyr4311fs (NM_133437.4); c.10361-1430del (NM_133378.4); c.12492delA (NM_001256850.1); short protein forms Y4119fs, Y4311fs, Y4165fs, Y4244fs, Y4482fs.
Identifiers: ClinVar variation 451732 (VCV000451732.2), dbSNP rs1553937110, ClinGen allele CA658657178.
Genomic context (GRCh38, chr2:178,739,789, plus strand): 5'-TTGTTTTGGCTCCTTGCTGAATTCTAGGACCCTCAGCTGTTAGGATGTCTATTTCCTCAT[AT>A]ATAATAGCACACAAAGCATCCCTAAGTTCCATTTTCAGGTTAGCCATTTGAGGATCAACA-3'